The following is an entry in ClinVar:

NM_005618.4(DLL1):c.782C>G (p.Pro261Arg)

Gene: DLL1 (delta like canonical Notch ligand 1; minus strand). Cytogenetic location: 6q27.
Variant type: single nucleotide variant.
Coding change: c.782C>G on transcript NM_005618.4 (MANE Select); coding-DNA position 782, C replaced by G.
Protein change: p.Pro261Arg; replaces proline 261 with arginine.
Molecular consequence: missense variant.
Genome position (GRCh38, 1-based): chr6:170,285,649, G>C on the plus strand (C>G on the coding strand, the complement: DLL1 is on the minus strand). VCF-style: chr6-170285649-G-C. GRCh37 (hg19) VCF-style: chr6-170594737-G-C.
Other names: short protein forms P261R.
Identifiers: ClinVar variation 4529650 (VCV004529650.1).

ClinVar aggregate classification (germline): Uncertain significance (1 of 4 stars; one submission).

Submission:

GeneDx
Classification: Uncertain significance. Last evaluated: 2025-05-16. Review status: criteria provided, single submitter. Criteria: GeneDx Variant Classification Process June 2021. Collection method: clinical testing. Allele origin: germline. Affected: yes.
Comment: Not observed at significant frequency in large population cohorts (gnomAD); In silico analysis supports that this missense variant has a deleterious effect on protein structure/function; Has not been previously published as pathogenic or benign to our knowledge